The following is an entry in ClinVar:

ClinVar aggregate classification (germline): Uncertain significance. Review status: criteria provided, multiple submitters, no conflicts (2 of 4 stars). 2 submissions from 2 submitters: Uncertain significance (2). Last evaluated 2024-06-25.

Conditions:
Neuroblastoma, susceptibility to, 3. Also called: ALK-Related Neuroblastic Tumor Susceptibility. Identifiers: Orphanet 635, MedGen C2751681, MONDO:0013083, OMIM 613014.
Hereditary cancer-predisposing syndrome. Also called: Tumor predisposition; Neoplastic Syndromes, Hereditary; Hereditary Cancer Syndrome; Hereditary neoplastic syndrome. Identifiers: Orphanet 140162, MedGen C0027672, MeSH D009386, MONDO:0015356.

Submissions (2):

Ambry Genetics
Classification: Uncertain significance for Hereditary cancer-predisposing syndrome. Last evaluated: 2024-06-25. Review status: criteria provided, single submitter. Criteria: Ambry Variant Classification Scheme 2023. Collection method: clinical testing. Allele origin: germline.
Comment: The p.M770I variant (also known as c.2310G>A), located in coding exon 13 of the ALK gene, results from a G to A substitution at nucleotide position 2310. The methionine at codon 770 is replaced by isoleucine, an amino acid with highly similar properties. This amino acid position is conserved. In addition, this alteration is predicted to be tolerated by in silico analysis. Since supporting evidence is limited at this time, the clinical significance of this alteration remains unclear.

Labcorp Genetics (formerly Invitae), Labcorp
Classification: Uncertain significance for Neuroblastoma, susceptibility to, 3. Last evaluated: 2020-03-05. Review status: criteria provided, single submitter. Criteria: Invitae Variant Classification Sherloc (09022015). Collection method: clinical testing. Allele origin: germline.
Comment: Algorithms developed to predict the effect of missense changes on protein structure and function output the following: SIFT: "Tolerated"; PolyPhen-2: "Benign"; Align-GVGD: "Class C0". The isoleucine amino acid residue is found in multiple mammalian species, suggesting that this missense change does not adversely affect protein function. These predictions have not been confirmed by published functional studies and their clinical significance is uncertain. In summary, the available evidence is currently insufficient to determine the role of this variant in disease. Therefore, it has been classified as a Variant of Uncertain Significance. This variant has not been reported in the literature in individuals with ALK-related conditions. This variant is not present in population databases (ExAC no frequency). This sequence change replaces methionine with isoleucine at codon 770 of the ALK protein (p.Met770Ile). The methionine residue is weakly conserved and there is a small physicochemical difference between methionine and isoleucine.

NM_004304.5(ALK):c.2310G>A (p.Met770Ile)

Gene: ALK (ALK receptor tyrosine kinase; minus strand). Cytogenetic location: 2p23.2.
Variant type: single nucleotide variant.
Coding change: c.2310G>A on transcript NM_004304.5 (MANE Select); coding-DNA position 2310, G replaced by A.
Protein change: p.Met770Ile; replaces methionine 770 with isoleucine.
Molecular consequence: missense variant.
Genome position (GRCh38, 1-based): chr2:29,239,725, C>T on the plus strand (G>A on the coding strand, the complement: ALK is on the minus strand). VCF-style: chr2-29239725-C-T. GRCh37 (hg19) VCF-style: chr2-29462591-C-T.
Other names: short protein forms M770I.
Identifiers: ClinVar variation 1060075 (VCV001060075.12), dbSNP rs1256405098, ClinGen allele CA346474355.
Genomic context (GRCh38, chr2:29,239,725, plus strand): 5'-GCTCTGGGCACTTACACTGGGGCAGGCGTCCTCTCCCTGCTGCCCAACCAGGATGTACAG[C>T]ATGTCATCCTTCTCCAGGTTGAAGATGCCCAGCACAGACACGCCGTGGGACCGCATCATG-3'
Protein context (NP_004295.2, residues 760-780): LGIFNLEKDD[Met770Ile]LYILVGQQGE